The following is an entry in ClinVar:

NM_000057.4(BLM):c.3784C>T (p.Gln1262Ter)

Gene: BLM (BLM RecQ like helicase; plus strand). Cytogenetic location: 15q26.1.
Variant type: single nucleotide variant.
Coding change: c.3784C>T on transcript NM_000057.4 (MANE Select); coding-DNA position 3784, C replaced by T.
Protein change: p.Gln1262Ter; replaces glutamine 1262 with a stop codon.
Molecular consequence: nonsense.
Genome position (GRCh38, 1-based): chr15:90,809,169, C>T. VCF-style: chr15-90809169-C-T. GRCh37 (hg19) VCF-style: chr15-91352399-C-T.
Other names: c.3784C>T, p.Gln1262Ter (NM_001287246.2); c.3391C>T, p.Gln1131Ter (NM_001287247.2); c.2659C>T, p.Gln887Ter (NM_001287248.2); short protein forms Q1131*, Q1262*, Q887*.
Identifiers: ClinVar variation 3011339 (VCV003011339.3), dbSNP rs2151198294, ClinGen allele CA393849649.

ClinVar aggregate classification (germline): Pathogenic (1 of 4 stars; one submission).

Conditions:
Bloom syndrome (BLM). Also called: Bloom-Torre-Machacek syndrome. Identifiers: Orphanet 125, MedGen C0005859, MONDO:0008876, OMIM 210900.

Allele frequency attached by ClinVar (database versions not stated): gnomAD exomes below 0.00001.
gnomAD v4.1: 1 of 1,614,104 alleles (0.000062%); highest among the groups gnomAD compares: Non-Finnish European, 0.000085%; no homozygotes.

Submission:

Labcorp Genetics (formerly Invitae), Labcorp
Classification: Pathogenic for Bloom syndrome. Last evaluated: 2023-05-30. Review status: criteria provided, single submitter. Criteria: Invitae Variant Classification Sherloc (09022015). Collection method: clinical testing. Allele origin: germline.
Comment: This variant has not been reported in the literature in individuals affected with BLM-related conditions. For these reasons, this variant has been classified as Pathogenic. This variant is not present in population databases (gnomAD no frequency). This sequence change creates a premature translational stop signal (p.Gln1262*) in the BLM gene. It is expected to result in an absent or disrupted protein product. Loss-of-function variants in BLM are known to be pathogenic (PMID: 17407155).

Literature cited by the submitters: PubMed 17407155.